The following is an entry in ClinVar:

ClinVar aggregate classification (germline): Uncertain significance (1 of 4 stars; one submission).

Conditions:
Ehlers-Danlos syndrome, classic type, 1 (EDSCL1). Also called: EDS I; EHLERS-DANLOS SYNDROME, GRAVIS TYPE; EHLERS-DANLOS SYNDROME, SEVERE CLASSIC TYPE; Ehlers-Danlos syndrome, type 1; Ehlers-Danlos Syndrome, Classic Type, COL5A1-Related. Identifiers: MedGen C0268335, MONDO:0019567, OMIM 130000.

Allele frequency attached by ClinVar (database versions not stated): gnomAD exomes 0.00002.
gnomAD v4.1: 25 of 1,613,138 alleles (0.0015%); highest among the groups gnomAD compares: Non-Finnish European, 0.0021%; no homozygotes.

Submission:

Labcorp Genetics (formerly Invitae), Labcorp
Classification: Uncertain significance for Ehlers-Danlos syndrome, classic type, 1. Last evaluated: 2023-08-24. Review status: criteria provided, single submitter. Criteria: Invitae Variant Classification Sherloc (09022015). Collection method: clinical testing. Allele origin: germline.
Comment: This sequence change replaces arginine, which is basic and polar, with threonine, which is neutral and polar, at codon 878 of the COL5A1 protein (p.Arg878Thr). This variant is present in population databases (no rsID available, gnomAD 0.003%). This variant has not been reported in the literature in individuals affected with COL5A1-related conditions. Advanced modeling of protein sequence and biophysical properties (such as structural, functional, and spatial information, amino acid conservation, physicochemical variation, residue mobility, and thermodynamic stability) has been performed at Invitae for this missense variant, however the output from this modeling did not meet the statistical confidence thresholds required to predict the impact of this variant on COL5A1 protein function. In summary, the available evidence is currently insufficient to determine the role of this variant in disease. Therefore, it has been classified as a Variant of Uncertain Significance.

NM_000093.5(COL5A1):c.2633G>C (p.Arg878Thr)

Gene: COL5A1 (collagen type V alpha 1 chain; plus strand). Cytogenetic location: 9q34.3.
Variant type: single nucleotide variant.
Coding change: c.2633G>C on transcript NM_000093.5 (MANE Select); coding-DNA position 2633, G replaced by C.
Protein change: p.Arg878Thr; replaces arginine 878 with threonine.
Molecular consequence: missense variant.
Genome position (GRCh38, 1-based): chr9:134,786,035, G>C. VCF-style: chr9-134786035-G-C. GRCh37 (hg19) VCF-style: chr9-137677881-G-C.
Other names: c.2633G>C, p.Arg878Thr (NM_001278074.1); short protein forms R878T.
Identifiers: ClinVar variation 2898202 (VCV002898202.1), dbSNP rs1178409854, ClinGen allele CA375455237.
Genomic context (GRCh38, chr9:134,786,035, plus strand): 5'-GCAACTCTTTCTTCCCCCAGGGAAAACTCGGAGTCCCAGGGTTACCAGGGTATCCAGGAA[G>C]ACAAGGACCAAAGGTAACTTCTGGCCGTGTTAGGTGTCCCGGGACAGGCGGAGGGATGTT-3'
Protein context (NP_000084.3, residues 868-888): GVPGLPGYPG[Arg878Thr]QGPKGSIGFP